The following is an entry in ClinVar:

ClinVar aggregate classification (germline): Uncertain significance. Review status: criteria provided, multiple submitters, no conflicts (2 of 4 stars). 2 submissions from 2 submitters: Uncertain significance (2). Last evaluated 2022-01-01.

Conditions:
Charlevoix-Saguenay spastic ataxia (SACS). Also called: SPASTIC ATAXIA 6, AUTOSOMAL RECESSIVE; AUTOSOMAL RECESSIVE SPASTIC ATAXIA OF CHARLEVOIX-SAGUENAY; Spastic ataxia of Charlevoix-Saguenay. Identifiers: Orphanet 98, MedGen C1849140, MONDO:0010041, OMIM 270550.
Spastic paraplegia. Identifiers: MedGen C0037772, HP:0001258.

Allele frequency attached by ClinVar (database versions not stated): gnomAD exomes below 0.00001; ExAC 0.00001.
gnomAD v4.1: 3 of 1,611,918 alleles (0.00019%); highest among the groups gnomAD compares: South Asian, 0.0011%; no homozygotes.

Submissions (2):

PROSPAX: an integrated multimodal progression  chart in spastic ataxias, Center for Neurology; Hertie-Institute for Clinical Brain Research
Classification: Uncertain significance for Charlevoix-Saguenay spastic ataxia. Last evaluated: 2022-01-01. Review status: criteria provided, single submitter. Criteria: ACMG Guidelines, 2015. Collection method: research. Allele origin: germline. Affected: yes. Observed: 2 variant alleles, 2 compound heterozygotes.

Labcorp Genetics (formerly Invitae), Labcorp
Classification: Uncertain significance for Spastic paraplegia. Last evaluated: 2019-05-18. Review status: criteria provided, single submitter. Criteria: Invitae Variant Classification Sherloc (09022015). Collection method: clinical testing. Allele origin: germline.
Comment: In summary, the available evidence is currently insufficient to determine the role of this variant in disease. Therefore, it has been classified as a Variant of Uncertain Significance. Algorithms developed to predict the effect of sequence changes on RNA splicing suggest that this variant may create or strengthen a splice site, but this prediction has not been confirmed by published transcriptional studies. Algorithms developed to predict the effect of missense changes on protein structure and function do not agree on the potential impact of this missense change (SIFT: "Deleterious"; PolyPhen-2: "Possibly Damaging"; Align-GVGD: "Class C0"). This variant has not been reported in the literature in individuals with SACS-related disease. This variant is present in population databases (rs777554091, ExAC 0.007%). This sequence change replaces aspartic acid with glycine at codon 202 of the SACS protein (p.Asp202Gly). The aspartic acid residue is moderately conserved and there is a moderate physicochemical difference between aspartic acid and glycine.

NM_014363.6(SACS):c.605A>G (p.Asp202Gly)

Gene: SACS (sacsin molecular chaperone; minus strand). Cytogenetic location: 13q12.12.
Variant type: single nucleotide variant.
Coding change: c.605A>G on transcript NM_014363.6 (MANE Select); coding-DNA position 605, A replaced by G.
Protein change: p.Asp202Gly; replaces aspartic acid 202 with glycine.
Molecular consequence: missense variant.
Genome position (GRCh38, 1-based): chr13:23,356,007, T>C on the plus strand (A>G on the coding strand, the complement: SACS is on the minus strand). VCF-style: chr13-23356007-T-C. GRCh37 (hg19) VCF-style: chr13-23930146-T-C.
Other names: c.164A>G, p.Asp55Gly (NM_001278055.2); short protein forms D202G, D55G.
Identifiers: ClinVar variation 578500 (VCV000578500.11), dbSNP rs777554091, ClinGen allele CA6912041.